The following is an entry in ClinVar:

ClinVar aggregate classification (germline): Likely benign (0 of 4 stars; one submission).

Conditions:
FMN2-related disorder. Also called: FMN2-related condition.

gnomAD v4.1: 2 of 1,614,096 alleles (0.00012%); highest among the groups gnomAD compares: Admixed American, 0.0017%; no homozygotes.

Submission:

PreventionGenetics, part of Exact Sciences
Classification: Likely benign for FMN2-related condition. Last evaluated: 2020-07-17. Review status: no assertion criteria provided. Collection method: clinical testing. Allele origin: germline.
Comment: This variant is classified as likely benign based on ACMG/AMP sequence variant interpretation guidelines (Richards et al. 2015 PMID: 25741868, with internal and published modifications).

NM_020066.5(FMN2):c.2064C>T (p.Thr688=)

Gene: FMN2 (formin 2; plus strand). Cytogenetic location: 1q43.
Variant type: single nucleotide variant.
Coding change: c.2064C>T on transcript NM_020066.5 (MANE Select); coding-DNA position 2064, C replaced by T.
Protein change: p.Thr688=; no amino-acid change (threonine 688 retained).
Molecular consequence: synonymous variant. On other transcripts: intron variant (1).
Genome position (GRCh38, 1-based): chr1:240,206,876, C>T. VCF-style: chr1-240206876-C-T. GRCh37 (hg19) VCF-style: chr1-240370176-C-T.
Other names: c.2076C>T, p.Thr692= (NM_001305424.2); c.1986+18614C>T (NM_001348094.2).
Identifiers: ClinVar variation 3036884 (VCV003036884.2), dbSNP rs778111719, ClinGen allele CA1476528.